The following is an entry in ClinVar:

ClinVar aggregate classification (germline): Conflicting classifications of pathogenicity. Review status: criteria provided, conflicting classifications (1 of 4 stars). 14 submissions from 12 submitters: Uncertain significance (9); Likely benign (1). 4 of the submissions do not count toward it. Last evaluated 2025-09-01.

Conditions:
Usher syndrome type 1 (USH1). Also called: RETINITIS PIGMENTOSA AND CONGENITAL DEAFNESS. Identifiers: Orphanet 231169, Orphanet 886, MedGen C1568247, MONDO:0010168, OMIM 276900.
Retinitis pigmentosa (RP). Identifiers: Orphanet 791, MedGen C0035334, MeSH D012174, MONDO:0019200, OMIM 268000. Inheritance: Autosomal dominant, autosomal recessive and X linked inheritance.
Autosomal recessive nonsyndromic hearing loss 2. Also called: NEUROSENSORY NONSYNDROMIC RECESSIVE DEAFNESS 2; DEAFNESS, AUTOSOMAL RECESSIVE 2. Identifiers: Orphanet 90636, MedGen C1838701, MONDO:0010807, OMIM 600060.
Autosomal dominant nonsyndromic hearing loss 11. Identifiers: Orphanet 90635, MedGen C1832475, MONDO:0011032, OMIM 601317.
Usher syndrome type 1B (USH1B). Also called: Usher syndrome type IB. Identifiers: MedGen C1848638, MONDO:0700087.
Pendred syndrome (PDS). Also called: THYROID DYSHORMONOGENESIS 2B; THYROID HORMONOGENESIS, GENETIC DEFECT IN, 2B; Pendred's syndrome; Pendred Syndrome (PDS); DEAFNESS WITH GOITER; GOITER-DEAFNESS SYNDROME. Identifiers: Orphanet 705, MedGen C0271829, MONDO:0010134, OMIM 274600.

Allele frequency attached by ClinVar (database versions not stated): 1000 Genomes Project 30x 0.00016; 1000 Genomes Project 0.00020; gnomAD exomes 0.00038 and 0.00058; TOPMed 0.00039; ExAC 0.00048; gnomAD 0.00049; ESP Exome Variant Server 0.00072.
gnomAD v4.1: 896 of 1,612,852 alleles (0.056%); highest among the groups gnomAD compares: Non-Finnish European, 0.073%; no homozygotes.

Submissions (14):

CeGaT Center for Human Genetics Tuebingen
Classification: Uncertain significance. Last evaluated: 2025-09-01. Review status: criteria provided, single submitter. Criteria: CeGaT Center For Human Genetics Tuebingen Variant Classification Criteria Version 2. Collection method: clinical testing. Allele origin: germline. Affected: yes. Observed: 3 variant alleles.
Comment: MYO7A: PM2, PP3

Labcorp Genetics (formerly Invitae), Labcorp
Classification: Uncertain significance. Last evaluated: 2024-12-16. Review status: criteria provided, single submitter. Criteria: Invitae Variant Classification Sherloc (09022015). Collection method: clinical testing. Allele origin: germline.
Comment: This sequence change replaces glutamic acid, which is acidic and polar, with lysine, which is basic and polar, at codon 1095 of the MYO7A protein (p.Glu1095Lys). This variant is present in population databases (rs199810429, gnomAD 0.08%). This missense change has been observed in individual(s) with retinitis pigmentosa (PMID: 30718709). ClinVar contains an entry for this variant (Variation ID: 229005). An algorithm developed to predict the effect of missense changes on protein structure and function (PolyPhen-2) suggests that this variant is likely to be disruptive. In summary, the available evidence is currently insufficient to determine the role of this variant in disease. Therefore, it has been classified as a Variant of Uncertain Significance.

Blueprint Genetics
Classification: Uncertain significance. Last evaluated: 2024-11-22. Review status: criteria provided, single submitter. Criteria: ACMG Guidelines, 2015. Collection method: clinical testing. Allele origin: germline.

GeneDx
Classification: Uncertain significance. Last evaluated: 2024-11-18. Review status: criteria provided, single submitter. Criteria: GeneDx Variant Classification Process June 2021. Collection method: clinical testing. Allele origin: germline. Affected: yes.
Comment: Identified with a second MYO7A variant in a patient with retinitis pigmentosa in published literature, but it is not known whether the variants occurred on the same (in cis) or on different (in trans) chromosomes (PMID: 30718709); In silico analysis indicates that this missense variant does not alter protein structure/function; This variant is associated with the following publications: (PMID: 30718709)

Department of Otolaryngology – Head & Neck Surgery, Cochlear Implant Center
Classification: Uncertain significance for Pendred syndrome. Last evaluated: 2021-04-12. Review status: criteria provided, single submitter. Criteria: ClinGen HL ACMG Specifications v1. Collection method: clinical testing. Allele origin: germline. Affected: yes.
Comment: PM2_Supporting, PP3_Supporting

Illumina Laboratory Services, Illumina
Classification: Likely benign for Autosomal dominant nonsyndromic hearing loss 11. Last evaluated: 2018-01-13. Review status: criteria provided, single submitter. Criteria: ICSL Variant Classification Criteria 13 December 2019. Collection method: clinical testing. Allele origin: germline.
Comment: This variant was observed in the ICSL laboratory as part of a predisposition screen in an ostensibly healthy population. It had not been previously curated by ICSL or reported in the Human Gene Mutation Database (HGMD: prior to June 1st, 2018), and was therefore a candidate for classification through an automated scoring system. Utilizing variant allele frequency, disease prevalence and penetrance estimates, and inheritance mode, an automated score was calculated to assess if this variant is too frequent to cause the disease. Based on the score and internal cut-off values, a variant classified as likely benign is not then subjected to further curation. The score for this variant resulted in a classification of likely benign for this disease.

Illumina Laboratory Services, Illumina
Classification: Uncertain significance for Usher syndrome type 1. Last evaluated: 2018-01-13. Review status: criteria provided, single submitter. Criteria: ICSL Variant Classification Criteria 13 December 2019. Collection method: clinical testing. Allele origin: germline.

Illumina Laboratory Services, Illumina
Classification: Uncertain significance for Autosomal recessive nonsyndromic hearing loss 2. Last evaluated: 2018-01-13. Review status: criteria provided, single submitter. Criteria: ICSL Variant Classification Criteria 13 December 2019. Collection method: clinical testing. Allele origin: germline.

Eurofins Ntd Llc (ga)
Classification: Uncertain significance. Last evaluated: 2016-02-10. Review status: criteria provided, single submitter. Criteria: EGL Classification Definitions 2015. Collection method: clinical testing. Allele origin: germline. Observed: 1 variant allele, 1 heterozygote.

Laboratory for Molecular Medicine, Mass General Brigham Personalized Medicine
Classification: Uncertain significance. Last evaluated: 2015-08-17. Review status: criteria provided, single submitter. Criteria: LMM Criteria. Collection method: clinical testing. Allele origin: germline. Observed: 1 variant allele.
Comment: The p.Glu1095Lys variant in MYO7A has not been previously reported in individual s with hearing loss or Usher syndrome, but has been identified in 0.08% (52/6523 0) European chromosomes by the Exome Aggregation Consortium (ExAC; dbSNP rs199810429). Although this variant has been seen in th e general population, its frequency is not high enough to rule out a pathogenic role. Computational prediction tools and conservation analysis do not provide st rong support for or against an impact to the protein. This variant is located in the last three bases of the exon, which is part of the 5? splice region. Comput ational tools do not suggest an impact to splicing. However, this information is not predictive enough to rule out pathogenicity. In summary, the clinical signi ficance of thep.Glu1095Lys variant is uncertain.

Natera, Inc.
Classification: Uncertain significance for Usher syndrome type 1B. Last evaluated: 2020-04-16. Review status: no assertion criteria provided. Collection method: clinical testing. Allele origin: germline. Not counted in ClinVar's aggregate classification.

Department of Clinical Genetics, Copenhagen University Hospital, Rigshospitalet
Classification: Uncertain significance for Retinitis pigmentosa. Last evaluated: 2018-04-01. Review status: no assertion criteria provided. Collection method: research. Allele origin: unknown. Affected: yes. Study: VeluxRD. Not counted in ClinVar's aggregate classification.

Clinical Genetics DNA and cytogenetics Diagnostics Lab, Erasmus MC, Erasmus Medical Center
Classification: Likely benign. Review status: no assertion criteria provided. Collection method: clinical testing. Allele origin: germline. Affected: yes. Study: VKGL Data-share Consensus. Not counted in ClinVar's aggregate classification.

Joint Genome Diagnostic Labs from Nijmegen and Maastricht, Radboudumc and MUMC+
Classification: Likely benign. Review status: no assertion criteria provided. Collection method: clinical testing. Allele origin: germline. Affected: yes. Study: VKGL Data-share Consensus. Not counted in ClinVar's aggregate classification.

Literature cited by the submitters: PubMed 30718709 (cited by Labcorp Genetics (formerly Invitae), Labcorp and Department of Clinical Genetics, Copenhagen University Hospital, Rigshospitalet).

NM_000260.4(MYO7A):c.3283G>A (p.Glu1095Lys)

Gene: MYO7A (myosin VIIA; plus strand). Cytogenetic location: 11q13.5.
Variant type: single nucleotide variant.
Coding change: c.3283G>A on transcript NM_000260.4 (MANE Select); coding-DNA position 3283, G replaced by A.
Protein change: p.Glu1095Lys; replaces glutamic acid 1095 with lysine.
Molecular consequence: missense variant.
Genome position (GRCh38, 1-based): chr11:77,182,598, G>A. VCF-style: chr11-77182598-G-A. GRCh37 (hg19) VCF-style: chr11-76893643-G-A.
Other names: c.3283G>A, p.Glu1095Lys (NM_001127180.2); c.3250G>A, p.Glu1084Lys (NM_001369365.1); short protein forms E1095K, E1084K.
Identifiers: ClinVar variation 229005 (VCV000229005.71), dbSNP rs199810429, ClinGen allele CA6198019.
Genomic context (GRCh38, chr11:77,182,598, plus strand): 5'-TATGAGACCCTGGGCAAGAAGACGTACAAGAGGGAGCTGCAGGCCCTGCAGGGCGAGGGC[G>A]AGGTGAGGCCAAGGTGCCCTCTGGATGATGTCCCTCCCAGGCCGACAAGGAGGGCCGCTG-3'
Protein context (NP_000251.3, residues 1085-1105): RELQALQGEG[Glu1095Lys]AQLPEGQKKS